The following is an entry in ClinVar:

NM_033641.4(COL4A6):c.3823G>A (p.Ala1275Thr)

Gene: COL4A6 (collagen type IV alpha 6 chain; minus strand). Cytogenetic location: Xq22.3.
Variant type: single nucleotide variant.
Coding change: c.3823G>A on transcript NM_033641.4 (MANE Select); coding-DNA position 3823, G replaced by A.
Protein change: p.Ala1275Thr; replaces alanine 1275 with threonine.
Molecular consequence: missense variant.
Genome position (GRCh38, 1-based): chrX:108,165,024, C>T on the plus strand (G>A on the coding strand, the complement: COL4A6 is on the minus strand). VCF-style: chrX-108165024-C-T. GRCh37 (hg19) VCF-style: chrX-107408254-C-T.
Other names: c.3826G>A (NM_001847.2); c.3874G>A, p.Ala1292Thr (NM_001287758.2); c.3751G>A, p.Ala1251Thr (NM_001287759.2, NM_001287760.2); c.3826G>A, p.Ala1276Thr (NM_001847.4); short protein forms A1292T, A1276T, A1251T, A1275T.
Identifiers: ClinVar variation 2064888 (VCV002064888.6), dbSNP rs113329155, ClinGen allele CA10487315.

ClinVar aggregate classification (germline): Uncertain significance. Review status: criteria provided, multiple submitters, no conflicts (2 of 4 stars). 2 submissions from 2 submitters: Uncertain significance (2). Last evaluated 2025-11-08.

gnomAD v4.1: 14 of 1,204,399 alleles (0.0012%); highest among the groups gnomAD compares: African/African-American, 0.0089%; no homozygotes.

Submissions (2):

Ambry Genetics
Classification: Uncertain significance. Last evaluated: 2025-11-08. Review status: criteria provided, single submitter. Criteria: Ambry Variant Classification Scheme 2023. Collection method: clinical testing. Allele origin: germline.

Labcorp Genetics (formerly Invitae), Labcorp
Classification: Uncertain significance. Last evaluated: 2022-06-24. Review status: criteria provided, single submitter. Criteria: Invitae Variant Classification Sherloc (09022015). Collection method: clinical testing. Allele origin: germline.
Comment: This sequence change replaces alanine, which is neutral and non-polar, with threonine, which is neutral and polar, at codon 1276 of the COL4A6 protein (p.Ala1276Thr). This variant has not been reported in the literature in individuals affected with COL4A6-related conditions. The frequency data for this variant in the population databases is considered unreliable, as metrics indicate poor data quality at this position in the gnomAD database. In summary, the available evidence is currently insufficient to determine the role of this variant in disease. Therefore, it has been classified as a Variant of Uncertain Significance. Algorithms developed to predict the effect of missense changes on protein structure and function (SIFT, PolyPhen-2, Align-GVGD) all suggest that this variant is likely to be tolerated.